The following is an entry in ClinVar:

NM_001365999.1(SZT2):c.6759G>T (p.Lys2253Asn)

Gene: SZT2 (SZT2 subunit of KICSTOR complex; plus strand). Cytogenetic location: 1p34.2.
Variant type: single nucleotide variant.
Coding change: c.6759G>T on transcript NM_001365999.1 (MANE Select); coding-DNA position 6759, G replaced by T.
Protein change: p.Lys2253Asn; replaces lysine 2253 with asparagine.
Molecular consequence: missense variant.
Genome position (GRCh38, 1-based): chr1:43,439,060, G>T. VCF-style: chr1-43439060-G-T. GRCh37 (hg19) VCF-style: chr1-43904731-G-T.
Other names: c.6588G>T, p.Lys2196Asn (NM_015284.4); short protein forms K2196N, K2253N.
Identifiers: ClinVar variation 848746 (VCV000848746.9), dbSNP rs376437064, ClinGen allele CA340032067.

ClinVar aggregate classification (germline): Uncertain significance (1 of 4 stars; one submission).

Submission:

Labcorp Genetics (formerly Invitae), Labcorp
Classification: Uncertain significance. Last evaluated: 2019-02-04. Review status: criteria provided, single submitter. Criteria: Invitae Variant Classification Sherloc (09022015). Collection method: clinical testing. Allele origin: germline.
Comment: In summary, the available evidence is currently insufficient to determine the role of this variant in disease. Therefore, it has been classified as a Variant of Uncertain Significance. Algorithms developed to predict the effect of missense changes on protein structure and function are either unavailable or do not agree on the potential impact of this missense change (SIFT: "Tolerated"; PolyPhen-2: "Probably Damaging"; Align-GVGD: "Class C0"). This variant has not been reported in the literature in individuals with SZT2-related conditions. This variant is not present in population databases (ExAC no frequency). This sequence change replaces lysine with asparagine at codon 2196 of the SZT2 protein (p.Lys2196Asn). The lysine residue is highly conserved and there is a moderate physicochemical difference between lysine and asparagine.